The following is an entry in ClinVar:

ClinVar aggregate classification (germline): Uncertain significance (1 of 4 stars; one submission).

Conditions:
Gorlin syndrome. Also called: Basal cell nevus syndrome; Nevoid Basal Cell Carcinoma Syndrome. Identifiers: Orphanet 377, MedGen C0004779, MONDO:0007187.

Submission:

Labcorp Genetics (formerly Invitae), Labcorp
Classification: Uncertain significance for Gorlin syndrome. Last evaluated: 2021-03-02. Review status: criteria provided, single submitter. Criteria: Invitae Variant Classification Sherloc (09022015). Collection method: clinical testing. Allele origin: germline.
Comment: In summary, the available evidence is currently insufficient to determine the role of this variant in disease. Therefore, it has been classified as a Variant of Uncertain Significance. This sequence change replaces leucine with proline at codon 360 of the PTCH1 protein (p.Leu360Pro). The leucine residue is moderately conserved and there is a moderate physicochemical difference between leucine and proline. This variant is not present in population databases (ExAC no frequency). This variant has not been reported in the literature in individuals with PTCH1-related conditions. Algorithms developed to predict the effect of missense changes on protein structure and function are either unavailable or do not agree on the potential impact of this missense change (SIFT: "Deleterious"; PolyPhen-2: "Probably Damaging"; Align-GVGD: "Class C0").

NM_000264.5(PTCH1):c.1079T>C (p.Leu360Pro)

Gene: PTCH1 (patched 1; minus strand). Cytogenetic location: 9q22.32.
Variant type: single nucleotide variant.
Coding change: c.1079T>C on transcript NM_000264.5 (MANE Select); coding-DNA position 1079, T replaced by C.
Protein change: p.Leu360Pro; replaces leucine 360 with proline.
Molecular consequence: missense variant. On other transcripts: non-coding transcript variant (1).
Genome position (GRCh38, 1-based): chr9:95,479,136, A>G on the plus strand (T>C on the coding strand, the complement: PTCH1 is on the minus strand). VCF-style: chr9-95479136-A-G. GRCh37 (hg19) VCF-style: chr9-98241418-A-G.
Other names: c.881T>C, p.Leu294Pro (NM_001083602.3); c.1076T>C, p.Leu359Pro (NM_001083603.3); c.626T>C, p.Leu209Pro (NM_001083604.3, NM_001083605.3, NM_001083606.3 and 1 more transcripts); c.1079T>C, p.Leu360Pro (NM_001354918.2); short protein forms L359P, L360P, L209P, L294P.
Identifiers: ClinVar variation 1362292 (VCV001362292.8), dbSNP rs2118368178, ClinGen allele CA374119521.